The following is an entry in ClinVar:

ClinVar aggregate classification (germline): Conflicting classifications of pathogenicity. Review status: criteria provided, conflicting classifications (1 of 4 stars). 3 submissions from 3 submitters: Uncertain significance (1); Likely benign (1). 1 of the submissions does not count toward it. Last evaluated 2025-12-22.

Conditions:
Hajdu-Cheney syndrome (HJCYS). Also called: ACROOSTEOLYSIS WITH OSTEOPOROSIS AND CHANGES IN SKULL AND MANDIBLE; SERPENTINE FIBULA-POLYCYSTIC KIDNEY SYNDROME; Acroosteolysis dominant type. Identifiers: Orphanet 955, MedGen C0917715, MONDO:0007057, OMIM 102500.
NOTCH2-related disorder. Also called: NOTCH2-related condition.

Allele frequency attached by ClinVar (database versions not stated): gnomAD 0.00001; ExAC 0.00002; TOPMed 0.00002; gnomAD exomes 0.00003 and 0.00006.
gnomAD v4.1: 19 of 1,613,876 alleles (0.0012%); highest among the groups gnomAD compares: Admixed American, 0.032%; no homozygotes.

Submissions (3):

Labcorp Genetics (formerly Invitae), Labcorp
Classification: Likely benign for Hajdu-Cheney syndrome. Last evaluated: 2025-12-22. Review status: criteria provided, single submitter. Criteria: Invitae Variant Classification Sherloc (09022015). Collection method: clinical testing. Allele origin: germline.

Eurofins Ntd Llc (ga)
Classification: Uncertain significance. Last evaluated: 2018-07-24. Review status: criteria provided, single submitter. Criteria: EGL ClinVar v180209 classification definitions. Collection method: clinical testing. Allele origin: germline. Observed: 3 variant alleles, 3 heterozygotes.

PreventionGenetics, part of Exact Sciences
Classification: Likely benign for NOTCH2-related condition. Last evaluated: 2024-09-10. Review status: no assertion criteria provided. Collection method: clinical testing. Allele origin: germline. Not counted in ClinVar's aggregate classification.
Comment: This variant is classified as likely benign based on ACMG/AMP sequence variant interpretation guidelines (Richards et al. 2015 PMID: 25741868, with internal and published modifications).

NM_024408.4(NOTCH2):c.1134A>G (p.Ala378=)

Gene: NOTCH2 (notch receptor 2; minus strand). Cytogenetic location: 1p12.
Variant type: single nucleotide variant.
Coding change: c.1134A>G on transcript NM_024408.4 (MANE Select); coding-DNA position 1134, A replaced by G.
Protein change: p.Ala378=; no amino-acid change (alanine 378 retained).
Molecular consequence: synonymous variant.
Genome position (GRCh38, 1-based): chr1:119,968,207, T>C on the plus strand (A>G on the coding strand, the complement: NOTCH2 is on the minus strand). VCF-style: chr1-119968207-T-C. GRCh37 (hg19) VCF-style: chr1-120510830-T-C.
Other names: c.1134A>G, p.Ala378= (NM_001200001.2); c.1134A>G (NM_024408.3).
Identifiers: ClinVar variation 499990 (VCV000499990.12), dbSNP rs782178170, ClinGen allele CA1040602.